The following is an entry in ClinVar:

ClinVar aggregate classification (germline): Conflicting classifications of pathogenicity. Review status: criteria provided, conflicting classifications (1 of 4 stars). 5 submissions from 5 submitters: Uncertain significance (4); Likely benign (1). Last evaluated 2025-03-02.

Conditions:
Breast and/or ovarian cancer. Identifiers: MedGen CN221562.
Hereditary cancer-predisposing syndrome. Also called: Neoplastic Syndromes, Hereditary; Hereditary Cancer Syndrome; Hereditary neoplastic syndrome; Tumor predisposition. Identifiers: Orphanet 140162, MedGen C0027672, MeSH D009386, MONDO:0015356.
Familial cancer of breast. Also called: Hereditary breast cancer; hereditary breast carcinoma; BREAST CANCER, FAMILIAL. Identifiers: Orphanet 227535, MedGen C0346153, MONDO:0016419, OMIM 114480. Disease mechanism: loss of function.
Breast-ovarian cancer, familial, susceptibility to, 2 (BROVCA2). Also called: BRCA2 Hereditary Breast and Ovarian Cancer. Identifiers: Orphanet 145, MedGen C2675520, MONDO:0012933, OMIM 612555. Disease mechanism: loss of function.
Hereditary breast ovarian cancer syndrome. Also called: Hereditary breast and ovarian cancer syndrome; Hereditary breast and/or ovarian cancer syndrome; BRCA1- and BRCA2-Associated Hereditary Breast and Ovarian Cancer; Hereditary breast and ovarian cancer; Breast and ovarian cancer; Hereditary breast and ovarian cancer syndrome (HBOC). Identifiers: Orphanet 145, MedGen C0677776, MeSH D061325, MONDO:0003582. Disease mechanism: loss of function.

Submissions (5):

Labcorp Genetics (formerly Invitae), Labcorp
Classification: Uncertain significance for Hereditary breast ovarian cancer syndrome. Last evaluated: 2025-03-02. Review status: criteria provided, single submitter. Criteria: Invitae Variant Classification Sherloc (09022015). Collection method: clinical testing. Allele origin: germline.
Comment: This sequence change replaces glutamic acid, which is acidic and polar, with glutamine, which is neutral and polar, at codon 2848 of the BRCA2 protein (p.Glu2848Gln). This variant is not present in population databases (gnomAD no frequency). This variant has not been reported in the literature in individuals affected with BRCA2-related conditions. ClinVar contains an entry for this variant (Variation ID: 141633). Invitae Evidence Modeling incorporating data from in vitro experimental studies (PMID: 33609447) indicates that this missense variant is not expected to disrupt BRCA2 function with a negative predictive value of 95%. In summary, the available evidence is currently insufficient to determine the role of this variant in disease. Therefore, it has been classified as a Variant of Uncertain Significance.

Department of Pathology and Laboratory Medicine, Sinai Health System
Classification: Uncertain significance for Familial cancer of breast; Breast-ovarian cancer, familial, susceptibility to, 2. Last evaluated: 2023-10-25. Review status: criteria provided, single submitter. Criteria: ACMG Guidelines, 2015. Collection method: clinical testing. Allele origin: germline. Affected: yes.

Quest Diagnostics Nichols Institute San Juan Capistrano
Classification: Uncertain significance. Last evaluated: 2023-09-14. Review status: criteria provided, single submitter. Criteria: Quest Diagnostics criteria. Collection method: clinical testing. Allele origin: unknown.
Comment: In the published literature, this variant has been reported in an individual undergoing multigene panel testing (PMID: 31853058 (2020)) and was called a variant of unknown significance based on multifactorial likelihood analysis (PMIDs: 31853058 (2020) and 35665744 (2022)). In a cell-based homology directed DNA repair activity assay this variant showed a neutral effect, however additional studies are needed to determine the global effect of this variant on BRCA2 protein function (PMID: 29884841 (2019)). This variant has not been reported in large, multi-ethnic general populations (Genome Aggregation Database). Analysis of this variant using bioinformatics tools for the prediction of the effect of amino acid changes on protein structure and function yielded conflicting predictions that this variant is benign or damaging. Based on the available information, we are unable to determine the clinical significance of this variant.

Ambry Genetics
Classification: Likely benign for Hereditary cancer-predisposing syndrome. Last evaluated: 2019-12-06. Review status: criteria provided, single submitter. Criteria: Ambry Variant Classification Scheme 2023. Collection method: clinical testing. Allele origin: germline.

CHEO Genetics Diagnostic Laboratory, Children's Hospital of Eastern Ontario
Classification: Uncertain significance for Breast and/or ovarian cancer. Last evaluated: 2015-12-15. Review status: criteria provided, single submitter. Criteria: ACMG Guidelines, 2015. Collection method: clinical testing. Allele origin: germline. Study: Canadian Open Genetics Repository.

Literature cited by the submitters: PubMed 33609447 (cited by Labcorp Genetics (formerly Invitae), Labcorp); PubMed 29884841 (cited by 3 submitters); PubMed 31911673 (cited by Quest Diagnostics Nichols Institute San Juan Capistrano); PubMed 31853058 (cited by Quest Diagnostics Nichols Institute San Juan Capistrano); PubMed 35665744 (cited by Quest Diagnostics Nichols Institute San Juan Capistrano).

NM_000059.4(BRCA2):c.8542G>C (p.Glu2848Gln)

Gene: BRCA2 (BRCA2 DNA repair associated; plus strand). Cytogenetic location: 13q13.1.
Variant type: single nucleotide variant.
Coding change: c.8542G>C on transcript NM_000059.4 (MANE Select); coding-DNA position 8542, G replaced by C.
Protein change: p.Glu2848Gln; replaces glutamic acid 2848 with glutamine.
Molecular consequence: missense variant.
Genome position (GRCh38, 1-based): chr13:32,371,010, G>C. VCF-style: chr13-32371010-G-C. GRCh37 (hg19) VCF-style: chr13-32945147-G-C.
Other names: short protein forms E2848Q.
Identifiers: ClinVar variation 141633 (VCV000141633.16), dbSNP rs587781893, ClinGen allele CA025701.